The following is an entry in ClinVar:

ClinVar aggregate classification (germline): Uncertain significance. Review status: criteria provided, multiple submitters, no conflicts (2 of 4 stars). 3 submissions from 3 submitters: Uncertain significance (3). Last evaluated 2025-11-20.

Conditions:
SCLT1-related disorder. Also called: SCLT1-related condition.

Allele frequency attached by ClinVar (database versions not stated): gnomAD exomes below 0.00001 and 0.00001; ExAC 0.00002.
gnomAD v4.1: 5 of 1,529,640 alleles (0.00033%); highest among the groups gnomAD compares: Admixed American, 0.0033%; no homozygotes.

Submissions (3):

Ambry Genetics
Classification: Uncertain significance. Last evaluated: 2025-11-20. Review status: criteria provided, single submitter. Criteria: Ambry Variant Classification Scheme 2023. Collection method: clinical testing. Allele origin: germline.

PreventionGenetics, part of Exact Sciences
Classification: Uncertain significance for SCLT1-related condition. Last evaluated: 2024-10-22. Review status: criteria provided, single submitter. Criteria: ACMG Guidelines, 2015. Collection method: clinical testing. Allele origin: germline.
Comment: The SCLT1 c.1154A>G variant is predicted to result in the amino acid substitution p.Asn385Ser. To our knowledge, this variant has not been reported in the literature. This variant is reported in 0.0099% of alleles in individuals of Ashkenazi Jewish descent in gnomAD. At this time, the clinical significance of this variant is uncertain due to the absence of conclusive functional and genetic evidence.

Labcorp Genetics (formerly Invitae), Labcorp
Classification: Uncertain significance. Last evaluated: 2022-01-06. Review status: criteria provided, single submitter. Criteria: Invitae Variant Classification Sherloc (09022015). Collection method: clinical testing. Allele origin: germline.
Comment: In summary, the available evidence is currently insufficient to determine the role of this variant in disease. Therefore, it has been classified as a Variant of Uncertain Significance. Algorithms developed to predict the effect of missense changes on protein structure and function output the following: SIFT: "Tolerated"; PolyPhen-2: "Benign"; Align-GVGD: "Class C0". The serine amino acid residue is found in multiple mammalian species, which suggests that this missense change does not adversely affect protein function. This variant has not been reported in the literature in individuals affected with SCLT1-related conditions. This variant is present in population databases (rs754823096, gnomAD 0.01%). This sequence change replaces asparagine, which is neutral and polar, with serine, which is neutral and polar, at codon 385 of the SCLT1 protein (p.Asn385Ser).

NM_144643.4(SCLT1):c.1154A>G (p.Asn385Ser)

Gene: SCLT1 (sodium channel and clathrin linker 1; minus strand). Cytogenetic location: 4q28.2.
Variant type: single nucleotide variant.
Coding change: c.1154A>G on transcript NM_144643.4 (MANE Select); coding-DNA position 1154, A replaced by G.
Protein change: p.Asn385Ser; replaces asparagine 385 with serine.
Molecular consequence: missense variant.
Genome position (GRCh38, 1-based): chr4:128,952,833, T>C on the plus strand (A>G on the coding strand, the complement: SCLT1 is on the minus strand). VCF-style: chr4-128952833-T-C. GRCh37 (hg19) VCF-style: chr4-129873988-T-C.
Other names: c.1154A>G (NM_144643.2, NM_144643.3); short protein forms N385S.
Identifiers: ClinVar variation 1362279 (VCV001362279.10), dbSNP rs754823096, ClinGen allele CA3079717.